The following is an entry in ClinVar:

NM_014795.4(ZEB2):c.274G>T (p.Gly92Ter)

Gene: ZEB2 (zinc finger E-box binding homeobox 2; minus strand). Cytogenetic location: 2q22.3.
Variant type: single nucleotide variant.
Coding change: c.274G>T on transcript NM_014795.4 (MANE Select); coding-DNA position 274, G replaced by T.
Protein change: p.Gly92Ter; replaces glycine 92 with a stop codon.
Molecular consequence: nonsense.
Genome position (GRCh38, 1-based): chr2:144,429,826, C>A on the plus strand (G>T on the coding strand, the complement: ZEB2 is on the minus strand). VCF-style: chr2-144429826-C-A. GRCh37 (hg19) VCF-style: chr2-145187393-C-A.
Other names: c.274G>T, p.Gly92Ter (NM_001171653.2); short protein forms G92*.
Identifiers: ClinVar variation 2687507 (VCV002687507.2), dbSNP rs2549120628, ClinGen allele CA348718680.

ClinVar aggregate classification (germline): Pathogenic (1 of 4 stars; one submission).

Conditions:
Mowat-Wilson syndrome (MOWS). Also called: Classic Mowat-Wilson Syndrome. Identifiers: Orphanet 2152, MedGen C1856113, MONDO:0009341, OMIM 235730.

Submission:

Medical Genetics Unit, Azienda USL-IRCCS di Reggio Emilia
Classification: Pathogenic for Mowat-Wilson syndrome. Last evaluated: 2023-10-20. Review status: criteria provided, single submitter. Criteria: ACMG Guidelines, 2015. Collection method: clinical testing. Allele origin: de novo. Affected: yes. Observed: 1 variant allele.
Comment: Heterozygous variant associated with Mowat-Wilson syndrome in at least 1 individual. ACMG/AMP criteria PVS1, PS2, PM2, PP4

Literature cited by the submitters: PubMed 29300384.